The following is an entry in ClinVar:

NM_005562.3(LAMC2):c.1786G>T (p.Gly596Ter)

Gene: LAMC2 (laminin subunit gamma 2; plus strand). Cytogenetic location: 1q25.3.
Variant type: single nucleotide variant.
Coding change: c.1786G>T on transcript NM_005562.3 (MANE Select); coding-DNA position 1786, G replaced by T.
Protein change: p.Gly596Ter; replaces glycine 596 with a stop codon.
Molecular consequence: nonsense.
Genome position (GRCh38, 1-based): chr1:183,231,032, G>T. VCF-style: chr1-183231032-G-T. GRCh37 (hg19) VCF-style: chr1-183200167-G-T.
Other names: c.1786G>T, p.Gly596Ter (NM_018891.3); short protein forms G596*.
Identifiers: ClinVar variation 983662 (VCV000983662.3), dbSNP rs1659784333, ClinGen allele CA343690948.

ClinVar aggregate classification (germline): Likely pathogenic (1 of 4 stars; one submission).

Conditions:
Junctional epidermolysis bullosa gravis of Herlitz. Also called: Herlitz-type junctional epidermolysis bullosa; Epidermolysis Bullosa Letalis; EPIDERMOLYSIS BULLOSA, JUNCTIONAL 1B, SEVERE; EPIDERMOLYSIS BULLOSA JUNCTIONALIS, HERLITZ TYPE; EPIDERMOLYSIS BULLOSA, JUNCTIONAL, HERLITZ-PEARSON TYPE; JEB-HERLITZ TYPE. Identifiers: Orphanet 79404, MedGen C0079683, MONDO:0009182, OMIM 226700.

Submission:

Myriad Genetics, Inc.
Classification: Likely pathogenic for Junctional epidermolysis bullosa gravis of Herlitz. Last evaluated: 2019-02-19. Review status: criteria provided, single submitter. Criteria: Myriad Women's Health Autosomal Recessive and X-Linked Classification Criteria (2019). Collection method: clinical testing. Allele origin: unknown.
Comment: NM_005562.2(LAMC2):c.1786G>T(G596*) is expected to be pathogenic in the context of junctional epidermolysis bullosa, LAMC2-related. This variant is predicted to lead to an abnormal or absent protein product due to the creation of a premature termination codon in LAMC2, a gene where loss-of-function variants are known to be pathogenic. Please note: this variant was assessed in the context of healthy population screening.